The following is an entry in ClinVar:

ClinVar aggregate classification (germline): Uncertain significance (1 of 4 stars; one submission).

Conditions:
Hereditary spastic paraplegia 48. Also called: SPASTIC PARAPLEGIA 48, AUTOSOMAL RECESSIVE; Spastic paraplegia 48. Identifiers: Orphanet 306511, MedGen C3150901, MONDO:0013342, OMIM 613647.

Allele frequency attached by ClinVar (database versions not stated): ExAC 0.00003; gnomAD 0.00003; TOPMed 0.00003; gnomAD exomes 0.00004; 1000 Genomes Project 30x 0.00016; 1000 Genomes Project 0.00020.

Submission:

Labcorp Genetics (formerly Invitae), Labcorp
Classification: Uncertain significance for Hereditary spastic paraplegia 48. Last evaluated: 2024-01-24. Review status: criteria provided, single submitter. Criteria: Invitae Variant Classification Sherloc (09022015). Collection method: clinical testing. Allele origin: germline.
Comment: This sequence change replaces arginine, which is basic and polar, with histidine, which is basic and polar, at codon 748 of the AP5Z1 protein (p.Arg748His). This variant is present in population databases (rs200040878, gnomAD 0.01%). This variant has not been reported in the literature in individuals affected with AP5Z1-related conditions. ClinVar contains an entry for this variant (Variation ID: 2050253). Advanced modeling of protein sequence and biophysical properties (such as structural, functional, and spatial information, amino acid conservation, physicochemical variation, residue mobility, and thermodynamic stability) performed at Invitae indicates that this missense variant is not expected to disrupt AP5Z1 protein function with a negative predictive value of 80%. In summary, the available evidence is currently insufficient to determine the role of this variant in disease. Therefore, it has been classified as a Variant of Uncertain Significance.

NM_014855.3(AP5Z1):c.2243G>A (p.Arg748His)

Gene: AP5Z1 (adaptor related protein complex 5 subunit zeta 1; plus strand). Cytogenetic location: 7p22.1.
Variant type: single nucleotide variant.
Coding change: c.2243G>A on transcript NM_014855.3 (MANE Select); coding-DNA position 2243, G replaced by A.
Protein change: p.Arg748His; replaces arginine 748 with histidine.
Molecular consequence: missense variant. On other transcripts: non-coding transcript variant (1).
Genome position (GRCh38, 1-based): chr7:4,791,204, G>A. VCF-style: chr7-4791204-G-A. GRCh37 (hg19) VCF-style: chr7-4830835-G-A.
Other names: c.1775G>A, p.Arg592His (NM_001364858.1); short protein forms R748H, R592H.
Identifiers: ClinVar variation 2050253 (VCV002050253.4), dbSNP rs200040878, ClinGen allele CA4138399.